The following is an entry in ClinVar:

ClinVar aggregate classification (germline): Uncertain significance (1 of 4 stars; one submission).

Conditions:
Ichthyosis linearis circumflexa. Identifiers: MedGen C0265962, MONDO:0043106, HP:0025810.

Allele frequency attached by ClinVar (database versions not stated): gnomAD exomes below 0.00001.
gnomAD v4.1: 1 of 1,613,934 alleles (0.000062%); highest among the groups gnomAD compares: African/African-American, 0.0013%; no homozygotes.

Submission:

Labcorp Genetics (formerly Invitae), Labcorp
Classification: Uncertain significance for Ichthyosis linearis circumflexa. Last evaluated: 2024-10-28. Review status: criteria provided, single submitter. Criteria: Invitae Variant Classification Sherloc (09022015). Collection method: clinical testing. Allele origin: germline.
Comment: This sequence change replaces leucine, which is neutral and non-polar, with valine, which is neutral and non-polar, at codon 1010 of the SPINK5 protein (p.Leu1010Val). This variant is not present in population databases (gnomAD no frequency). This variant has not been reported in the literature in individuals affected with SPINK5-related conditions. ClinVar contains an entry for this variant (Variation ID: 948701). An algorithm developed to predict the effect of missense changes on protein structure and function (PolyPhen-2) suggests that this variant is likely to be tolerated. In summary, the available evidence is currently insufficient to determine the role of this variant in disease. Therefore, it has been classified as a Variant of Uncertain Significance.

NM_006846.4(SPINK5):c.3028T>G (p.Leu1010Val)

Gene: SPINK5 (serine peptidase inhibitor Kazal type 5; plus strand). Cytogenetic location: 5q32.
Variant type: single nucleotide variant.
Coding change: c.3028T>G on transcript NM_006846.4 (MANE Select); coding-DNA position 3028, T replaced by G.
Protein change: p.Leu1010Val; replaces leucine 1010 with valine.
Molecular consequence: missense variant.
Genome position (GRCh38, 1-based): chr5:148,131,322, T>G. VCF-style: chr5-148131322-T-G. GRCh37 (hg19) VCF-style: chr5-147510885-T-G.
Other names: c.3118T>G, p.Leu1040Val (NM_001127698.2); short protein forms L1040V, L1010V.
Identifiers: ClinVar variation 948701 (VCV000948701.10), dbSNP rs1754566872, ClinGen allele CA361652119.
Genomic context (GRCh38, chr5:148,131,322, plus strand): 5'-TCTGAGATGTGCAAAGACTACCGAGTATTGCCCAGGATAGGTTATCTTTGTCCAAAGGAT[T>G]TAAAGCCTGTCTGTGGTGACGATGGCCAAACCTACAACAATCCTTGCATGCTCTGTCATG-3'
Protein context (NP_006837.2, residues 1000-1020): PRIGYLCPKD[Leu1010Val]KPVCGDDGQT